The following is an entry in ClinVar:

ClinVar aggregate classification (germline): Uncertain significance (1 of 4 stars; one submission).

Conditions:
Primary ciliary dyskinesia. Also called: Ciliary dyskinesia. Identifiers: Orphanet 244, MedGen C0008780, MONDO:0016575, HP:0012265.

Allele frequency attached by ClinVar (database versions not stated): gnomAD 0.00001; gnomAD exomes 0.00001; TOPMed 0.00001.

Submission:

Labcorp Genetics (formerly Invitae), Labcorp
Classification: Uncertain significance for Primary ciliary dyskinesia. Last evaluated: 2022-06-13. Review status: criteria provided, single submitter. Criteria: Invitae Variant Classification Sherloc (09022015). Collection method: clinical testing. Allele origin: germline.
Comment: In summary, the available evidence is currently insufficient to determine the role of this variant in disease. Therefore, it has been classified as a Variant of Uncertain Significance. Algorithms developed to predict the effect of missense changes on protein structure and function output the following: SIFT: "Tolerated"; PolyPhen-2: "Benign"; Align-GVGD: "Class C0". The valine amino acid residue is found in multiple mammalian species, which suggests that this missense change does not adversely affect protein function. This variant has not been reported in the literature in individuals affected with DNAAF5-related conditions. This variant is present in population databases (no rsID available, gnomAD 0.006%). This sequence change replaces alanine, which is neutral and non-polar, with valine, which is neutral and non-polar, at codon 539 of the DNAAF5 protein (p.Ala539Val).

NM_017802.4(DNAAF5):c.1616C>T (p.Ala539Val)

Gene: DNAAF5 (dynein axonemal assembly factor 5; plus strand). Cytogenetic location: 7p22.3.
Variant type: single nucleotide variant.
Coding change: c.1616C>T on transcript NM_017802.4 (MANE Select); coding-DNA position 1616, C replaced by T.
Protein change: p.Ala539Val; replaces alanine 539 with valine.
Molecular consequence: missense variant. On other transcripts: non-coding transcript variant (1).
Genome position (GRCh38, 1-based): chr7:763,807, C>T. VCF-style: chr7-763807-C-T. GRCh37 (hg19) VCF-style: chr7-803444-C-T.
Other names: short protein forms A539V.
Identifiers: ClinVar variation 2045212 (VCV002045212.4), dbSNP rs1333101328, ClinGen allele CA366539946.